The following is an entry in ClinVar:

NM_006361.6(HOXB13):c.74G>A (p.Arg25Gln)

Gene: HOXB13 (homeobox B13; minus strand). Cytogenetic location: 17q21.32.
Variant type: single nucleotide variant.
Coding change: c.74G>A on transcript NM_006361.6 (MANE Select); coding-DNA position 74, G replaced by A.
Protein change: p.Arg25Gln; replaces arginine 25 with glutamine.
Molecular consequence: missense variant.
Genome position (GRCh38, 1-based): chr17:48,728,520, C>T on the plus strand (G>A on the coding strand, the complement: HOXB13 is on the minus strand). VCF-style: chr17-48728520-C-T. GRCh37 (hg19) VCF-style: chr17-46805882-C-T.
Other names: p.R25Q:CGG>CAG; short protein forms R25Q.
Identifiers: ClinVar variation 128037 (VCV000128037.17), dbSNP rs587780165, ClinGen allele CA288242.

ClinVar aggregate classification (germline): Uncertain significance. Review status: criteria provided, multiple submitters, no conflicts (2 of 4 stars). 3 submissions from 3 submitters: Uncertain significance (3). Last evaluated 2026-01-31.

Conditions:
Hereditary cancer-predisposing syndrome. Also called: Hereditary neoplastic syndrome; Neoplastic Syndromes, Hereditary; Hereditary Cancer Syndrome; Tumor predisposition. Identifiers: Orphanet 140162, MedGen C0027672, MeSH D009386, MONDO:0015356.

Allele frequency attached by ClinVar (database versions not stated): gnomAD exomes below 0.00001; TOPMed below 0.00001.
gnomAD v4.1: 2 of 1,613,248 alleles (0.00012%); highest among the groups gnomAD compares: Non-Finnish European, 0.00017%; no homozygotes.

Submissions (3):

Labcorp Genetics (formerly Invitae), Labcorp
Classification: Uncertain significance. Last evaluated: 2026-01-31. Review status: criteria provided, single submitter. Criteria: Invitae Variant Classification Sherloc (09022015). Collection method: clinical testing. Allele origin: germline.
Comment: This sequence change replaces arginine, which is basic and polar, with glutamine, which is neutral and polar, at codon 25 of the HOXB13 protein (p.Arg25Gln). This variant is not present in population databases (gnomAD no frequency). This variant has not been reported in the literature in individuals affected with HOXB13-related conditions. ClinVar contains an entry for this variant (Variation ID: 128037). An algorithm developed to predict the effect of missense changes on protein structure and function (PolyPhen-2) suggests that this variant is likely to be disruptive. In summary, the available evidence is currently insufficient to determine the role of this variant in disease. Therefore, it has been classified as a Variant of Uncertain Significance.

Ambry Genetics
Classification: Uncertain significance for Hereditary cancer-predisposing syndrome. Last evaluated: 2024-12-10. Review status: criteria provided, single submitter. Criteria: Ambry Variant Classification Scheme 2023. Collection method: clinical testing. Allele origin: germline.
Comment: The p.R25Q variant (also known as c.74G>A), located in coding exon 1 of the HOXB13 gene, results from a G to A substitution at nucleotide position 74. The arginine at codon 25 is replaced by glutamine, an amino acid with highly similar properties. In a computational modeling study utilizing multiple in silico models, this alteration was found to have damaging and deleterious effects on the HOXB13 protein with respect to DNA binding and function (Chandrasekaran G et al. Sci Rep, 2017 03;7:43830). This amino acid position is well conserved in available vertebrate species. In addition, this alteration is predicted to be tolerated by in silico analysis. Based on the available evidence, the clinical significance of this variant remains unclear.

GeneDx
Classification: Uncertain significance. Last evaluated: 2014-01-15. Review status: criteria provided, single submitter. Criteria: GeneDx Variant Classification (06012015). Collection method: clinical testing. Allele origin: germline. Affected: yes.
Comment: This variant is denoted HOXB13 c.74G>A at the cDNA level, p.Arg25Gln (R25Q) at the protein level, and results in the change of an Arginine to a Glutamine (CGG>CAG). This variant has not, to our knowledge, been published in the literature as pathogenic or benign. HOXB13 Arg25Gln was not observed in approximately 6,500 individuals of European and African American ancestry in the NHLBI Exome Sequencing Project, indicating it is not a common benign variant in these populations. This variant is a semi-conservative substitution in which a positive polar amino acid is replaced with a neutral polar one, altering a position that is highly conserved throughout evolution and is not located in a known functional domain. Multiple in silico algorithms predict that this variant may be damaging to protein structure and function. Based on the currently available information, we consider HOXB13 Arg25Gln to be a variant of uncertain significance.

Literature cited by the submitters: PubMed 28272408 (cited by Ambry Genetics).